The following is an entry in ClinVar:

ClinVar aggregate classification (germline): Benign. Review status: criteria provided, multiple submitters, no conflicts (2 of 4 stars). 6 submissions from 6 submitters: Benign (4). 2 of the submissions do not count toward it. Last evaluated 2026-02-03.

Conditions:
Zellweger spectrum disorders (ZS). Also called: Zellweger syndrome; Zellweger Spectrum Disorder; Zellweger Spectrum; Zellweger Spectrum Disorder (ZSD). Identifiers: Orphanet 912, MedGen C0043459, MONDO:0019609.
Peroxisome biogenesis disorder 5A (Zellweger) (PBD5A). Identifiers: Orphanet 912, MedGen C3553940, MONDO:0013932, OMIM 614866.

Allele frequency attached by ClinVar (database versions not stated): gnomAD exomes 0.00355 and 0.00925; ExAC 0.01085; gnomAD 0.03406 and 0.03660; ESP Exome Variant Server 0.03875; 1000 Genomes Project 0.03894; TOPMed 0.03894; 1000 Genomes Project 30x 0.04201.
gnomAD v4.1: 10,626 of 1,614,036 alleles (0.66%); highest among the groups gnomAD compares: African/African-American, 12%; 549 homozygotes.

Submissions (6):

Labcorp Genetics (formerly Invitae), Labcorp
Classification: Benign for Peroxisome biogenesis disorder 5A (Zellweger). Last evaluated: 2026-02-03. Review status: criteria provided, single submitter. Criteria: Invitae Variant Classification Sherloc (09022015). Collection method: clinical testing. Allele origin: germline.

GeneDx
Classification: Benign. Last evaluated: 2018-06-13. Review status: criteria provided, single submitter. Criteria: GeneDx Variant Classification (06012015). Collection method: clinical testing. Allele origin: germline. Affected: yes.
Comment: This variant is considered likely benign or benign based on one or more of the following criteria: it is a conservative change, it occurs at a poorly conserved position in the protein, it is predicted to be benign by multiple in silico algorithms, and/or has population frequency not consistent with disease.

Illumina Laboratory Services, Illumina
Classification: Benign for Peroxisome biogenesis disorder 5A (Zellweger). Last evaluated: 2018-01-13. Review status: criteria provided, single submitter. Criteria: ICSL Variant Classification Criteria 13 December 2019. Collection method: clinical testing. Allele origin: germline.
Comment: This variant was observed in the ICSL laboratory as part of a predisposition screen in an ostensibly healthy population. It had not been previously curated by ICSL or reported in the Human Gene Mutation Database (HGMD: prior to June 1st, 2018), and was therefore a candidate for classification through an automated scoring system. Utilizing variant allele frequency, disease prevalence and penetrance estimates, and inheritance mode, an automated score was calculated to assess if this variant is too frequent to cause the disease. Based on the score and internal cut-off values, a variant classified as benign is not then subjected to further curation. The score for this variant resulted in a classification of benign for this disease.

Breakthrough Genomics
Classification: Benign. Review status: criteria provided, single submitter. Criteria: ACMG Guidelines, 2015. Collection method: not provided. Allele origin: germline. Inheritance: Autosomal recessive inheritance. Affected: yes.

Natera, Inc.
Classification: Benign for Zellweger syndrome. Last evaluated: 2020-09-16. Review status: no assertion criteria provided. Collection method: clinical testing. Allele origin: germline. Not counted in ClinVar's aggregate classification.

Mayo Clinic Laboratories, Mayo Clinic
Classification: Benign. Last evaluated: 2016-10-14. Review status: no assertion criteria provided. Collection method: clinical testing. Allele origin: unknown. Not counted in ClinVar's aggregate classification.

NM_000318.3(PEX2):c.24G>A (p.Ala8=)

Gene: PEX2 (peroxisomal biogenesis factor 2; minus strand). Cytogenetic location: 8q21.13.
Variant type: single nucleotide variant.
Coding change: c.24G>A on transcript NM_000318.3 (MANE Select); coding-DNA position 24, G replaced by A.
Protein change: p.Ala8=; no amino-acid change (alanine 8 retained).
Molecular consequence: synonymous variant.
Genome position (GRCh38, 1-based): chr8:76,984,155, C>T on the plus strand (G>A on the coding strand, the complement: PEX2 is on the minus strand). VCF-style: chr8-76984155-C-T. GRCh37 (hg19) VCF-style: chr8-77896391-C-T.
Other names: c.24G>A, p.Ala8= (NM_001079867.2, NM_001172086.2, NM_001172087.2).
Identifiers: ClinVar variation 363818 (VCV000363818.20), dbSNP rs9298285, ClinGen allele CA4788781.